The following is an entry in ClinVar:

ClinVar aggregate classification (germline): Conflicting classifications of pathogenicity. Review status: criteria provided, conflicting classifications (1 of 4 stars). 6 submissions from 6 submitters: Uncertain significance (1); Likely benign (4). 1 of the submissions does not count toward it. Last evaluated 2026-09-01.

Conditions:
Neuroblastoma, susceptibility to, 3. Also called: ALK-Related Neuroblastic Tumor Susceptibility. Identifiers: Orphanet 635, MedGen C2751681, MONDO:0013083, OMIM 613014.
ALK-related disorder. Also called: ALK-related condition.
Hereditary cancer-predisposing syndrome. Also called: Hereditary Cancer Syndrome; Neoplastic Syndromes, Hereditary; Hereditary neoplastic syndrome; Tumor predisposition. Identifiers: Orphanet 140162, MedGen C0027672, MeSH D009386, MONDO:0015356.

Allele frequency attached by ClinVar (database versions not stated): gnomAD exomes 0.00002; TOPMed 0.00002; gnomAD 0.00003.
gnomAD v4.1: 30 of 1,614,020 alleles (0.0019%); highest among the groups gnomAD compares: Non-Finnish European, 0.0025%; no homozygotes.

Submissions (6):

CeGaT Center for Human Genetics Tuebingen
Classification: Likely benign. Last evaluated: 2026-09-01. Review status: criteria provided, single submitter. Criteria: CeGaT Center For Human Genetics Tuebingen Variant Classification Criteria Version 2. Collection method: clinical testing. Allele origin: germline. Affected: yes. Observed: 1 variant allele.
Comment: ALK: BP4, BP7

Labcorp Genetics (formerly Invitae), Labcorp
Classification: Likely benign for Neuroblastoma, susceptibility to, 3. Last evaluated: 2025-11-30. Review status: criteria provided, single submitter. Criteria: Invitae Variant Classification Sherloc (09022015). Collection method: clinical testing. Allele origin: germline.

Blueprint Genetics
Classification: Likely benign. Last evaluated: 2024-10-04. Review status: criteria provided, single submitter. Criteria: ACMG Guidelines, 2015. Collection method: clinical testing. Allele origin: germline.

GeneDx
Classification: Uncertain significance. Last evaluated: 2024-05-14. Review status: criteria provided, single submitter. Criteria: GeneDx Variant Classification Process June 2021. Collection method: clinical testing. Allele origin: germline. Affected: yes.
Comment: Not observed at significant frequency in large population cohorts (gnomAD); In silico analysis indicates that this variant does not alter splicing; Has not been previously published as pathogenic or benign to our knowledge

Ambry Genetics
Classification: Likely benign for Hereditary cancer-predisposing syndrome. Last evaluated: 2022-03-07. Review status: criteria provided, single submitter. Criteria: Ambry Variant Classification Scheme 2023. Collection method: clinical testing. Allele origin: germline.

PreventionGenetics, part of Exact Sciences
Classification: Likely benign for ALK-related condition. Last evaluated: 2022-11-16. Review status: no assertion criteria provided. Collection method: clinical testing. Allele origin: germline. Not counted in ClinVar's aggregate classification.
Comment: This variant is classified as likely benign based on ACMG/AMP sequence variant interpretation guidelines (Richards et al. 2015 PMID: 25741868, with internal and published modifications).

NM_004304.5(ALK):c.3210G>A (p.Gln1070=)

Gene: ALK (ALK receptor tyrosine kinase; minus strand). Cytogenetic location: 2p23.2.
Variant type: single nucleotide variant.
Coding change: c.3210G>A on transcript NM_004304.5 (MANE Select); coding-DNA position 3210, G replaced by A.
Protein change: p.Gln1070=; no amino-acid change (glutamine 1070 retained).
Molecular consequence: synonymous variant.
Genome position (GRCh38, 1-based): chr2:29,223,491, C>T on the plus strand (G>A on the coding strand, the complement: ALK is on the minus strand). VCF-style: chr2-29223491-C-T. GRCh37 (hg19) VCF-style: chr2-29446357-C-T.
Other names: c.6G>A, p.Gln2= (NM_001353765.2).
Identifiers: ClinVar variation 538303 (VCV000538303.20), dbSNP rs138178848, ClinGen allele CA1594036.
Genomic context (GRCh38, chr2:29,223,491, plus strand): 5'-GGTCATGATGGTCGAGGTGCGGAGCTTGCTCAGCTTGTACTCAGGGCTCTGCAGCTCCAT[C>T]TGCATGGCTTGCAGCTCCTGGTGCTTCCGGCGGTACACTGCAGGTGGGTGGTCAGCTGCA-3'
Protein context (NP_004295.2, residues 1060-1080): RRKHQELQAM[Gln1070=]MELQSPEYKL